The following is an entry in ClinVar:

ClinVar aggregate classification (germline): Uncertain significance (1 of 4 stars; one submission).

Conditions:
Low phospholipid associated cholelithiasis (GBD1). Also called: Gallstone cholecystitis; Gallbladder disease 1. Identifiers: Orphanet 69663, MedGen C2609268, MONDO:0010939, OMIM 600803.

gnomAD v4.1: 2 of 1,614,184 alleles (0.00012%); highest among the groups gnomAD compares: Non-Finnish European, 0.000085%; no homozygotes.

Submission:

OLLIN Analises Genomicas, OLLIN
Classification: Uncertain significance for Low phospholipid associated cholelithiasis. Last evaluated: 2025-07-18. Review status: criteria provided, single submitter. Criteria: ACMG Guidelines 2015 PMID 25741868. Collection method: clinical testing. Allele origin: germline. Affected: yes. Observed: 1 variant allele.
Comment: The missense variant (chr7:87406319T>G), located in exon 26 (of 28), described in gnomAD v4.1 non-UKB with an allele frequency of 0.00032%, is not reported in ClinVar nor in the scientific literature. This gene shows low tolerance to missense variantion, and in silico analysis predicts a deleterious effect on protein function. According to currently available evidence, this variant has been classified as of uncertain significance (VUS) (PM2_P, PP2, PP3_M).

NM_000443.4(ABCB4):c.3455A>C (p.Asn1152Thr)

Gene: ABCB4 (ATP binding cassette subfamily B member 4; minus strand). Cytogenetic location: 7q21.12.
Variant type: single nucleotide variant.
Coding change: c.3455A>C on transcript NM_000443.4 (MANE Select); coding-DNA position 3455, A replaced by C.
Protein change: p.Asn1152Thr; replaces asparagine 1152 with threonine.
Molecular consequence: missense variant.
Genome position (GRCh38, 1-based): chr7:87,406,319, T>G on the plus strand (A>C on the coding strand, the complement: ABCB4 is on the minus strand). VCF-style: chr7-87406319-T-G. GRCh37 (hg19) VCF-style: chr7-87035635-T-G.
Other names: c.3476A>C, p.Asn1159Thr (NM_018849.3); c.3314A>C, p.Asn1105Thr (NM_018850.3); short protein forms N1105T, N1152T, N1159T.
Identifiers: ClinVar variation 4814115 (VCV004814115.1).